The following is an entry in ClinVar:

NM_000038.6(APC):c.7031A>G (p.Gln2344Arg)

Gene: APC (APC regulator of Wnt signaling pathway; plus strand). Cytogenetic location: 5q22.2.
Variant type: single nucleotide variant.
Coding change: c.7031A>G on transcript NM_000038.6 (MANE Select); coding-DNA position 7031, A replaced by G.
Protein change: p.Gln2344Arg; replaces glutamine 2344 with arginine.
Molecular consequence: missense variant. On other transcripts: non-coding transcript variant (2).
Genome position (GRCh38, 1-based): chr5:112,842,625, A>G. VCF-style: chr5-112842625-A-G. GRCh37 (hg19) VCF-style: chr5-112178322-A-G.
Other names: c.7031A>G, p.Gln2344Arg (NM_001127510.3, NM_001354895.2, NM_001407450.1); c.6977A>G, p.Gln2326Arg (NM_001127511.3); c.7085A>G, p.Gln2362Arg (NM_001354896.2, NM_001407447.1, NM_001407448.1 and 1 more transcripts); c.7061A>G, p.Gln2354Arg (NM_001354897.2); c.6956A>G, p.Gln2319Arg (NM_001354898.2); c.6947A>G, p.Gln2316Arg (NM_001354899.2); c.6908A>G, p.Gln2303Arg (NM_001354900.2); c.6854A>G, p.Gln2285Arg (NM_001354901.2, NM_001407453.1); and 11 more; short protein forms Q2215R, Q2218R, Q2243R, Q2253R, Q2285R, Q2354R, Q2362R, Q2061R.
Identifiers: ClinVar variation 3881760 (VCV003881760.1).

ClinVar aggregate classification (germline): Uncertain significance (1 of 4 stars; one submission).

Conditions:
Hereditary cancer-predisposing syndrome. Also called: Tumor predisposition; Neoplastic Syndromes, Hereditary; Hereditary Cancer Syndrome; Hereditary neoplastic syndrome. Identifiers: Orphanet 140162, MedGen C0027672, MeSH D009386, MONDO:0015356.

Submission:

Ambry Genetics
Classification: Uncertain significance for Hereditary cancer-predisposing syndrome. Last evaluated: 2025-01-13. Review status: criteria provided, single submitter. Criteria: Ambry Variant Classification Scheme 2023. Collection method: clinical testing. Allele origin: germline.
Comment: The p.Q2344R variant (also known as c.7031A>G), located in coding exon 15 of the APC gene, results from an A to G substitution at nucleotide position 7031. The glutamine at codon 2344 is replaced by arginine, an amino acid with highly similar properties. This amino acid position is conserved. In addition, in silico predictors for this gene do not accurately predict pathogenicity. Based on the available evidence, the clinical significance of this variant remains unclear.